The following is an entry in ClinVar:

ClinVar aggregate classification (germline): Uncertain significance (1 of 4 stars; one submission).

Submission:

Labcorp Genetics (formerly Invitae), Labcorp
Classification: Uncertain significance. Last evaluated: 2022-08-19. Review status: criteria provided, single submitter. Criteria: Invitae Variant Classification Sherloc (09022015). Collection method: clinical testing. Allele origin: germline.
Comment: This variant has not been reported in the literature in individuals affected with DIP2C-related conditions. This variant is not present in population databases (gnomAD no frequency). This sequence change replaces arginine, which is basic and polar, with glycine, which is neutral and non-polar, at codon 1097 of the DIP2C protein (p.Arg1097Gly). Algorithms developed to predict the effect of missense changes on protein structure and function are either unavailable or do not agree on the potential impact of this missense change (SIFT: "Deleterious"; PolyPhen-2: "Benign"; Align-GVGD: "Class C0"). In summary, the available evidence is currently insufficient to determine the role of this variant in disease. Therefore, it has been classified as a Variant of Uncertain Significance.

NM_014974.3(DIP2C):c.3289A>G (p.Arg1097Gly)

Genes: DIP2C (DIP2 acetate--CoA ligase C (putative); minus strand), LOC126860805 (BRD4-independent group 4 enhancer GRCh37_chr10:390524-391723; plus strand). Cytogenetic location: 10p15.3.
Variant type: single nucleotide variant.
Coding change: c.3289A>G on transcript NM_014974.3 (MANE Select); coding-DNA position 3289, A replaced by G.
Protein change: p.Arg1097Gly; replaces arginine 1097 with glycine.
Molecular consequence: missense variant.
Genome position (GRCh38, 1-based): chr10:345,053, T>C on the plus strand (A>G on the coding strand, the complement: DIP2C is on the minus strand). VCF-style: chr10-345053-T-C. GRCh37 (hg19) VCF-style: chr10-390993-T-C.
Other names: short protein forms R1097G.
Identifiers: ClinVar variation 1716836 (VCV001716836.6), dbSNP rs2540549960, ClinGen allele CA375830254.